The following is an entry in ClinVar:

ClinVar aggregate classification (germline): Uncertain significance. Review status: criteria provided, multiple submitters, no conflicts (2 of 4 stars). 3 submissions from 3 submitters: Uncertain significance (3). Last evaluated 2026-08-23.

Conditions:
Hereditary cancer-predisposing syndrome. Also called: Tumor predisposition; Hereditary neoplastic syndrome; Neoplastic Syndromes, Hereditary; Hereditary Cancer Syndrome. Identifiers: Orphanet 140162, MedGen C0027672, MeSH D009386, MONDO:0015356.
Breast-ovarian cancer, familial, susceptibility to, 4. Identifiers: Orphanet 145, MedGen C3280345, MONDO:0013669, OMIM 614291.

Submissions (3):

Ambry Genetics
Classification: Uncertain significance for Hereditary cancer-predisposing syndrome. Last evaluated: 2026-08-23. Review status: criteria provided, single submitter. Criteria: Ambry Variant Classification Scheme 2023. Collection method: clinical testing. Allele origin: germline.
Comment: The p.E307A variant (also known as c.920A>C), located in coding exon 10 of the RAD51D gene, results from an A to C substitution at nucleotide position 920. The glutamic acid at codon 307 is replaced by alanine, an amino acid with dissimilar properties. This amino acid position is conserved. In addition, this alteration is predicted to be tolerated by in silico analysis. Based on the available evidence, the clinical significance of this variant remains unclear.

Color Diagnostics, LLC DBA Color Health
Classification: Uncertain significance for Hereditary cancer-predisposing syndrome. Last evaluated: 2024-03-06. Review status: criteria provided, single submitter. Criteria: ACMG Guidelines, 2015. Collection method: clinical testing. Allele origin: germline.
Comment: This missense variant replaces glutamic acid with alanine at codon 307 of the RAD51D protein. Computational prediction suggests that this variant may not impact protein structure and function (internally defined REVEL score threshold <= 0.5, PMID: 27666373). To our knowledge, functional studies have not been reported for this variant. This variant has not been reported in individuals affected with hereditary cancer in the literature. This variant has not been identified in the general population by the Genome Aggregation Database (gnomAD). The available evidence is insufficient to determine the role of this variant in disease conclusively. Therefore, this variant is classified as a Variant of Uncertain Significance.

Labcorp Genetics (formerly Invitae), Labcorp
Classification: Uncertain significance for Breast-ovarian cancer, familial, susceptibility to, 4. Last evaluated: 2019-11-26. Review status: criteria provided, single submitter. Criteria: Invitae Variant Classification Sherloc (09022015). Collection method: clinical testing. Allele origin: germline.
Comment: In summary, the available evidence is currently insufficient to determine the role of this variant in disease. Therefore, it has been classified as a Variant of Uncertain Significance. Algorithms developed to predict the effect of missense changes on protein structure and function (SIFT, PolyPhen-2, Align-GVGD) all suggest that this variant is likely to be tolerated, but these predictions have not been confirmed by published functional studies and their clinical significance is uncertain. This variant has not been reported in the literature in individuals with RAD51D-related conditions. This variant is not present in population databases (ExAC no frequency). This sequence change replaces glutamic acid with alanine at codon 307 of the RAD51D protein (p.Glu307Ala). The glutamic acid residue is weakly conserved and there is a moderate physicochemical difference between glutamic acid and alanine.

NM_002878.4(RAD51D):c.920A>C (p.Glu307Ala)

Genes: RAD51D (RAD51 paralog D; minus strand), RAD51L3-RFFL (RAD51L3-RFFL readthrough; minus strand). Cytogenetic location: 17q12.
Variant type: single nucleotide variant.
Coding change: c.920A>C on transcript NM_002878.4 (MANE Select); coding-DNA position 920, A replaced by C.
Protein change: p.Glu307Ala; replaces glutamic acid 307 with alanine.
Molecular consequence: missense variant. On other transcripts: non-coding transcript variant (2).
Genome position (GRCh38, 1-based): chr17:35,101,020, T>G on the plus strand (A>C on the coding strand, the complement: RAD51D is on the minus strand). VCF-style: chr17-35101020-T-G. GRCh37 (hg19) VCF-style: chr17-33428039-T-G.
Other names: c.980A>C, p.Glu327Ala (NM_001142571.2); c.584A>C, p.Glu195Ala (NM_133629.3); short protein forms E307A, E195A, E327A.
Identifiers: ClinVar variation 849748 (VCV000849748.12), dbSNP rs2091528823, ClinGen allele CA399086161.